The following is an entry in ClinVar:

NM_000235.4(LIPA):c.1004T>C (p.Val335Ala)

Gene: LIPA (lipase A, lysosomal acid type; minus strand). Cytogenetic location: 10q23.31.
Variant type: single nucleotide variant.
Coding change: c.1004T>C on transcript NM_000235.4 (MANE Select); coding-DNA position 1004, T replaced by C.
Protein change: p.Val335Ala; replaces valine 335 with alanine.
Molecular consequence: missense variant.
Genome position (GRCh38, 1-based): chr10:89,215,024, A>G on the plus strand (T>C on the coding strand, the complement: LIPA is on the minus strand). VCF-style: chr10-89215024-A-G. GRCh37 (hg19) VCF-style: chr10-90974781-A-G.
Other names: c.1004T>C, p.Val335Ala (NM_001127605.3); c.656T>C, p.Val219Ala (NM_001288979.2); short protein forms V219A, V335A.
Identifiers: ClinVar variation 2142398 (VCV002142398.1), dbSNP rs1340667239, ClinGen allele CA377516351.

ClinVar aggregate classification (germline): Uncertain significance (1 of 4 stars; one submission).

Conditions:
Wolman disease (WOLD). Also called: Acid cholesteryl ester hydrolase deficiency, Wolman type; Acid lipase disease; LYSOSOMAL ACID LIPASE DEFICIENCY, ACUTE INFANTILE; LYSOSOMAL ACID LIPASE DEFICIENCY, COMPLETE; LIPA DEFICIENCY, COMPLETE; LAL DEFICIENCY, COMPLETE. Identifiers: Orphanet 75233, MedGen C0043208, MONDO:0019148, OMIM 620151.

Allele frequency attached by ClinVar (database versions not stated): TOPMed below 0.00001; gnomAD 0.00001.
gnomAD v4.1: 1 of 1,613,976 alleles (0.000062%); highest among the groups gnomAD compares: Non-Finnish European, 0.000085%; no homozygotes.

Submission:

Labcorp Genetics (formerly Invitae), Labcorp
Classification: Uncertain significance for Wolman disease. Last evaluated: 2022-03-27. Review status: criteria provided, single submitter. Criteria: Invitae Variant Classification Sherloc (09022015). Collection method: clinical testing. Allele origin: germline.
Comment: This sequence change replaces valine, which is neutral and non-polar, with alanine, which is neutral and non-polar, at codon 335 of the LIPA protein (p.Val335Ala). This variant is present in population databases (no rsID available, gnomAD 0.007%). This variant has not been reported in the literature in individuals affected with LIPA-related conditions. Algorithms developed to predict the effect of missense changes on protein structure and function are either unavailable or do not agree on the potential impact of this missense change (SIFT: "Tolerated"; PolyPhen-2: "Probably Damaging"; Align-GVGD: "Class C0"). In summary, the available evidence is currently insufficient to determine the role of this variant in disease. Therefore, it has been classified as a Variant of Uncertain Significance.